The following is an entry in ClinVar:

NM_032119.4(ADGRV1):c.12785G>A (p.Ser4262Asn)

Gene: ADGRV1 (adhesion G protein-coupled receptor V1; plus strand). Cytogenetic location: 5q14.3.
Variant type: single nucleotide variant.
Coding change: c.12785G>A on transcript NM_032119.4 (MANE Select); coding-DNA position 12785, G replaced by A.
Protein change: p.Ser4262Asn; replaces serine 4262 with asparagine.
Molecular consequence: missense variant. On other transcripts: non-coding transcript variant (1).
Genome position (GRCh38, 1-based): chr5:90,778,545, G>A. VCF-style: chr5-90778545-G-A. GRCh37 (hg19) VCF-style: chr5-90074362-G-A.
Other names: c.12785G>A (NM_032119.3); short protein forms S4262N.
Identifiers: ClinVar variation 1096616 (VCV001096616.11), dbSNP rs200064826, ClinGen allele CA3341331.

ClinVar aggregate classification (germline): Conflicting classifications of pathogenicity. Review status: criteria provided, conflicting classifications (1 of 4 stars). 3 submissions from 3 submitters: Uncertain significance (1); Likely benign (2). Last evaluated 2026-07-08.

Conditions:
ADGRV1-related disorder. Also called: ADGRV1-related condition; ADGRV1-related disorders.

Allele frequency attached by ClinVar (database versions not stated): TOPMed 0.00004; gnomAD exomes 0.00012 and 0.00019; 1000 Genomes Project 30x 0.00016; 1000 Genomes Project 0.00020; gnomAD 0.00022 and 0.00023; ExAC 0.00024.
gnomAD v4.1: 212 of 1,612,800 alleles (0.013%); highest among the groups gnomAD compares: Non-Finnish European, 0.0059%; no homozygotes.

Submissions (3):

PreventionGenetics, part of Exact Sciences
Classification: Likely benign for ADGRV1-related condition. Last evaluated: 2026-07-08. Review status: criteria provided, single submitter. Criteria: ACMG Guidelines, 2015. Collection method: clinical testing. Allele origin: germline.
Comment: This variant is classified as likely benign based on ACMG/AMP sequence variant interpretation guidelines (Richards et al. 2015 PMID: 25741868, with internal and published modifications).

Labcorp Genetics (formerly Invitae), Labcorp
Classification: Likely benign. Last evaluated: 2025-07-10. Review status: criteria provided, single submitter. Criteria: Invitae Variant Classification Sherloc (09022015). Collection method: clinical testing. Allele origin: germline.

Blueprint Genetics
Classification: Uncertain significance. Last evaluated: 2024-10-28. Review status: criteria provided, single submitter. Criteria: ACMG Guidelines, 2015. Collection method: clinical testing. Allele origin: germline.